The following is an entry in ClinVar:

ClinVar aggregate classification (germline): Likely benign. Review status: criteria provided, multiple submitters, no conflicts (2 of 4 stars). 2 submissions from 2 submitters: Likely benign (2). Last evaluated 2024-11-12.

Conditions:
Anemia, nonspherocytic hemolytic, due to G6PD deficiency (CNSHA1). Also called: Hemolytic anemia due to G6PD deficiency; ANEMIA, CONGENITAL, NONSPHEROCYTIC HEMOLYTIC, 1; Class I glucose-6-phosphate dehydrogenase deficiency; Favism, susceptibility to. Identifiers: Orphanet 466026, MedGen C2720289, MONDO:0010480, OMIM 300908.

Allele frequency attached by ClinVar (database versions not stated): gnomAD exomes 0.00001; TOPMed 0.00001; gnomAD 0.00003.
gnomAD v4.1: 10 of 1,208,458 alleles (0.00083%); highest among the groups gnomAD compares: Non-Finnish European, 0.0011%; no homozygotes.

Submissions (2):

Labcorp Genetics (formerly Invitae), Labcorp
Classification: Likely benign for Anemia, nonspherocytic hemolytic, due to G6PD deficiency. Last evaluated: 2024-11-12. Review status: criteria provided, single submitter. Criteria: Invitae Variant Classification Sherloc (09022015). Collection method: clinical testing. Allele origin: germline.

CeGaT Center for Human Genetics Tuebingen
Classification: Likely benign. Last evaluated: 2023-05-01. Review status: criteria provided, single submitter. Criteria: CeGaT Center For Human Genetics Tuebingen Variant Classification Criteria Version 2. Collection method: clinical testing. Allele origin: germline. Affected: yes. Observed: 1 variant allele.
Comment: G6PD: BP4, BP7

NM_001360016.2(G6PD):c.1482G>A (p.Glu494=)

Gene: G6PD (glucose-6-phosphate dehydrogenase; minus strand). Cytogenetic location: Xq28.
Variant type: single nucleotide variant.
Coding change: c.1482G>A on transcript NM_001360016.2 (MANE Select); coding-DNA position 1482, G replaced by A.
Protein change: p.Glu494=; no amino-acid change (glutamic acid 494 retained).
Molecular consequence: synonymous variant.
Genome position (GRCh38, 1-based): chrX:154,532,066, C>T on the plus strand (G>A on the coding strand, the complement: G6PD is on the minus strand). VCF-style: chrX-154532066-C-T. GRCh37 (hg19) VCF-style: chrX-153760281-C-T.
Other names: c.1572G>A, p.Glu524= (NM_000402.4); c.1482G>A, p.Glu494= (NM_001042351.3).
Identifiers: ClinVar variation 1587171 (VCV001587171.37), dbSNP rs1230419397, ClinGen allele CA519302825.